The following is an entry in ClinVar:

NM_001033044.4(GLUL):c.1074G>T (p.Thr358=)

Gene: GLUL (glutamate-ammonia ligase; minus strand). Cytogenetic location: 1q25.3.
Variant type: single nucleotide variant.
Coding change: c.1074G>T on transcript NM_001033044.4 (MANE Select); coding-DNA position 1074, G replaced by T.
Protein change: p.Thr358=; no amino-acid change (threonine 358 retained).
Molecular consequence: synonymous variant.
Genome position (GRCh38, 1-based): chr1:182,384,453, C>A on the plus strand (G>T on the coding strand, the complement: GLUL is on the minus strand). VCF-style: chr1-182384453-C-A. GRCh37 (hg19) VCF-style: chr1-182353588-C-A.
Other names: c.1074G>T, p.Thr358= (NM_001033056.4, NM_002065.7).
Identifiers: ClinVar variation 3030606 (VCV003030606.2), dbSNP rs145595304, ClinGen allele CA1276968.

ClinVar aggregate classification (germline): Likely benign (0 of 4 stars; one submission).

Conditions:
GLUL-related disorder. Also called: GLUL-related condition.

gnomAD v4.1: 9 of 1,613,634 alleles (0.00056%); highest among the groups gnomAD compares: East Asian, 0.018%; no homozygotes.

Submission:

PreventionGenetics, part of Exact Sciences
Classification: Likely benign for GLUL-related condition. Last evaluated: 2022-07-28. Review status: no assertion criteria provided. Collection method: clinical testing. Allele origin: germline.
Comment: This variant is classified as likely benign based on ACMG/AMP sequence variant interpretation guidelines (Richards et al. 2015 PMID: 25741868, with internal and published modifications).